The following is an entry in ClinVar:

ClinVar aggregate classification (germline): Likely benign (1 of 4 stars; one submission).

Allele frequency attached by ClinVar (database versions not stated): 1000 Genomes Project 0.00180; 1000 Genomes Project 30x 0.00265; ExAC 0.00818.

Submission:

CeGaT Center for Human Genetics Tuebingen
Classification: Likely benign. Last evaluated: 2023-03-01. Review status: criteria provided, single submitter. Criteria: CeGaT Center For Human Genetics Tuebingen Variant Classification Criteria Version 2. Collection method: clinical testing. Allele origin: germline. Affected: yes. Observed: 2 variant alleles.
Comment: NPIPB4: BP4, BS2

NM_001384980.1(NPIPB4):c.128A>G (p.Asn43Ser)

Gene: NPIPB4 (nuclear pore complex interacting protein family member B4). Cytogenetic location: 16p12.2.
Variant type: single nucleotide variant.
Coding change: c.128A>G on transcript NM_001384980.1 (MANE Select); coding-DNA position 128, A replaced by G.
Protein change: p.Asn43Ser; replaces asparagine 43 with serine.
Molecular consequence: missense variant.
Genome position (GRCh38, 1-based): chr16:21,847,534, T>C on the plus strand (A>G on the coding strand, the complement: NPIPB4 is on the minus strand). VCF-style: chr16-21847534-T-C. GRCh37 (hg19) VCF-style: chr16-21858855-T-C.
Other names: c.128A>G, p.Asn43Ser (NM_001310148.2, NM_001384979.1); c.119A>G, p.Asn40Ser (NM_001384981.1); c.71A>G, p.Asn24Ser (NM_001384982.1); short protein forms N24S, N40S, N43S.
Identifiers: ClinVar variation 2646307 (VCV002646307.24), dbSNP rs199863058, ClinGen allele CA7953558.
Genomic context (GRCh38, chr16:21,847,534, plus strand): 5'-ACATGTAACCAAGGACTTCCACCAAAGTCAGTCCCACGATGATGATGGTCAGCCAGAGTA[T>C]TGATAACCTGGAATAATAATAGTTGAAATAATGAAAAGGTCAATGACACTGACAATATTT-3'
Protein context (NP_001371909.1, residues 33-53): CPCEYLRKVI[Asn43Ser]TLADHHHRGT